The following is an entry in ClinVar:

NM_177438.3(DICER1):c.856A>G (p.Ile286Val)

Gene: DICER1 (dicer 1, ribonuclease III; minus strand). Cytogenetic location: 14q32.13.
Variant type: single nucleotide variant.
Coding change: c.856A>G on transcript NM_177438.3 (MANE Select); coding-DNA position 856, A replaced by G.
Protein change: p.Ile286Val; replaces isoleucine 286 with valine.
Molecular consequence: missense variant.
Genome position (GRCh38, 1-based): chr14:95,126,627, T>C on the plus strand (A>G on the coding strand, the complement: DICER1 is on the minus strand). VCF-style: chr14-95126627-T-C. GRCh37 (hg19) VCF-style: chr14-95592964-T-C.
Other names: c.856A>G, p.Ile286Val (NM_001195573.1, NM_001271282.3, NM_001291628.2 and 1 more transcripts); short protein forms I286V.
Identifiers: ClinVar variation 1376106 (VCV001376106.10), dbSNP rs2140232849, ClinGen allele CA390887521.

ClinVar aggregate classification (germline): Uncertain significance. Review status: criteria provided, multiple submitters, no conflicts (2 of 4 stars). 2 submissions from 2 submitters: Uncertain significance (2). Last evaluated 2026-02-02.

Conditions:
DICER1-related tumor predisposition. Also called: DICER1 syndrome; DICER1-related pleuropulmonary blastoma cancer predisposition syndrome. Identifiers: Orphanet 284343, MedGen C3839822, MONDO:0100216.
Hereditary cancer-predisposing syndrome. Also called: Tumor predisposition; Hereditary neoplastic syndrome; Neoplastic Syndromes, Hereditary; Hereditary Cancer Syndrome. Identifiers: Orphanet 140162, MedGen C0027672, MeSH D009386, MONDO:0015356.

Allele frequency attached by ClinVar (database versions not stated): gnomAD exomes below 0.00001.
gnomAD v4.1: 2 of 1,561,036 alleles (0.00013%); highest among the groups gnomAD compares: Middle Eastern, 0.017%; no homozygotes.

Submissions (2):

Labcorp Genetics (formerly Invitae), Labcorp
Classification: Uncertain significance for DICER1-related tumor predisposition. Last evaluated: 2026-02-02. Review status: criteria provided, single submitter. Criteria: Invitae Variant Classification Sherloc (09022015). Collection method: clinical testing. Allele origin: germline.
Comment: This sequence change replaces isoleucine, which is neutral and non-polar, with valine, which is neutral and non-polar, at codon 286 of the DICER1 protein (p.Ile286Val). This variant is not present in population databases (gnomAD no frequency). This variant has not been reported in the literature in individuals affected with DICER1-related conditions. ClinVar contains an entry for this variant (Variation ID: 1376106). Invitae Evidence Modeling of protein sequence and biophysical properties (such as structural, functional, and spatial information, amino acid conservation, physicochemical variation, residue mobility, and thermodynamic stability) indicates that this missense variant is not expected to disrupt DICER1 protein function with a negative predictive value of 95%. In summary, the available evidence is currently insufficient to determine the role of this variant in disease. Therefore, it has been classified as a Variant of Uncertain Significance.

Ambry Genetics
Classification: Uncertain significance for Hereditary cancer-predisposing syndrome. Last evaluated: 2025-05-27. Review status: criteria provided, single submitter. Criteria: Ambry Variant Classification Scheme 2023. Collection method: clinical testing. Allele origin: germline.
Comment: The p.I286V variant (also known as c.856A>G), located in coding exon 6 of the DICER1 gene, results from an A to G substitution at nucleotide position 856. The isoleucine at codon 286 is replaced by valine, an amino acid with highly similar properties. This amino acid position is not well conserved in available vertebrate species. In addition, this alteration is predicted to be tolerated by in silico analysis. Since supporting evidence is limited at this time, the clinical significance of this alteration remains unclear.